The following is an entry in ClinVar:

NM_014236.4(GNPAT):c.726C>G (p.Leu242=)

Gene: GNPAT (glyceronephosphate O-acyltransferase; plus strand). Cytogenetic location: 1q42.2.
Variant type: single nucleotide variant.
Coding change: c.726C>G on transcript NM_014236.4 (MANE Select); coding-DNA position 726, C replaced by G.
Protein change: p.Leu242=; no amino-acid change (leucine 242 retained).
Molecular consequence: synonymous variant.
Genome position (GRCh38, 1-based): chr1:231,265,741, C>G. VCF-style: chr1-231265741-C-G. GRCh37 (hg19) VCF-style: chr1-231401487-C-G.
Other names: c.543C>G, p.Leu181= (NM_001316350.2).
Identifiers: ClinVar variation 1902820 (VCV001902820.2), dbSNP rs1486465597, ClinGen allele CA423902829.

ClinVar aggregate classification (germline): Uncertain significance (1 of 4 stars; one submission).

Allele frequency attached by ClinVar (database versions not stated): gnomAD 0.00001.
gnomAD v4.1: 4 of 1,606,292 alleles (0.00025%); highest among the groups gnomAD compares: African/African-American, 0.0054%; no homozygotes.

Submission:

Labcorp Genetics (formerly Invitae), Labcorp
Classification: Uncertain significance. Last evaluated: 2022-09-07. Review status: criteria provided, single submitter. Criteria: Invitae Variant Classification Sherloc (09022015). Collection method: clinical testing. Allele origin: germline.
Comment: This sequence change affects codon 242 of the GNPAT mRNA. It is a 'silent' change, meaning that it does not change the encoded amino acid sequence of the GNPAT protein. This variant is present in population databases (no rsID available, gnomAD 0.01%). This variant has not been reported in the literature in individuals affected with GNPAT-related conditions. Algorithms developed to predict the effect of sequence changes on RNA splicing suggest that this variant may disrupt the consensus splice site. In summary, the available evidence is currently insufficient to determine the role of this variant in disease. Therefore, it has been classified as a Variant of Uncertain Significance.